The following is an entry in ClinVar:

NM_004036.5(ADCY3):c.2540T>G (p.Phe847Cys)

Gene: ADCY3 (adenylate cyclase 3; minus strand). Cytogenetic location: 2p23.3.
Variant type: single nucleotide variant.
Coding change: c.2540T>G on transcript NM_004036.5 (MANE Select); coding-DNA position 2540, T replaced by G.
Protein change: p.Phe847Cys; replaces phenylalanine 847 with cysteine.
Molecular consequence: missense variant. On other transcripts: intron variant (1).
Genome position (GRCh38, 1-based): chr2:24,826,082, A>C on the plus strand (T>G on the coding strand, the complement: ADCY3 is on the minus strand). VCF-style: chr2-24826082-A-C. GRCh37 (hg19) VCF-style: chr2-25048951-A-C.
Other names: c.2543T>G (NM_001320613.1); c.2543T>G, p.Phe848Cys (NM_001320613.2); c.2606T>G, p.Phe869Cys (NM_001377128.1); c.2402T>G, p.Phe801Cys (NM_001377129.1); c.1817T>G, p.Phe606Cys (NM_001377131.1); c.2540T>G, p.Phe847Cys (NM_001377132.1); c.2173-1546T>G (NM_001377130.1); short protein forms F801C, F847C, F869C, F606C, F848C.
Identifiers: ClinVar variation 2404857 (VCV002404857.4), dbSNP rs572878903, ClinGen allele CA1553709.
Genomic context (GRCh38, chr2:24,826,082, plus strand): 5'-GGGATCGTGCAGGCGGCACTCACGTGGCGGGAGAAGTAGTAGAAGCTGAGCATCATGAGG[A>C]ACACCATCACCGTCATAGAGTACTTGGAAGGCACCAGGGGCAGCCTGCTGGGCAGAGCGT-3'
Protein context (NP_004027.2, residues 837-857): PSKYSMTVMV[Phe847Cys]LMMLSFYYFS

ClinVar aggregate classification (germline): Uncertain significance. Review status: criteria provided, multiple submitters, no conflicts (2 of 4 stars). 2 submissions from 2 submitters: Uncertain significance (2). Last evaluated 2026-05-14.

Conditions:
ADCY3-related disorder. Also called: ADCY3-related condition.
Inborn genetic diseases. Identifiers: MedGen C0950123, MeSH D030342.

Allele frequency attached by ClinVar (database versions not stated): gnomAD exomes 0.00001; ExAC 0.00002; gnomAD 0.00006; TOPMed 0.00006; 1000 Genomes Project 30x 0.00016; 1000 Genomes Project 0.00020.
gnomAD v4.1: 17 of 1,614,026 alleles (0.0011%); highest among the groups gnomAD compares: African/African-American, 0.02%; no homozygotes.

Submissions (2):

PreventionGenetics, part of Exact Sciences
Classification: Uncertain significance for ADCY3-related condition. Last evaluated: 2026-05-14. Review status: criteria provided, single submitter. Criteria: ACMG Guidelines, 2015. Collection method: clinical testing. Allele origin: germline.
Comment: The ADCY3 c.2543T>G variant is predicted to result in the amino acid substitution p.Phe848Cys. To our knowledge, this variant has not been reported in the literature. This variant is reported in 0.016% of alleles in individuals of African descent in gnomAD. At this time, the clinical significance of this variant is uncertain due to the absence of conclusive functional and genetic evidence.

Ambry Genetics
Classification: Uncertain significance for Inborn genetic diseases. Last evaluated: 2021-10-20. Review status: criteria provided, single submitter. Criteria: Ambry Variant Classification Scheme 2023. Collection method: clinical testing. Allele origin: germline.